The following is an entry in ClinVar:

NM_001204077.2(UBE4A):c.2010-485A>G

Genes: UBE4A (ubiquitination factor E4A; plus strand), LOC100131626 (uncharacterized LOC100131626; minus strand). Cytogenetic location: 11q23.3.
Variant type: single nucleotide variant.
Coding change: c.2010-485A>G on transcript NM_001204077.2 (MANE Select); 485 bases into the intron before coding-DNA position 2010, A replaced by G.
Molecular consequence: intron variant.
Genome position (GRCh38, 1-based): chr11:118,382,104, A>G. VCF-style: chr11-118382104-A-G. GRCh37 (hg19) VCF-style: chr11-118252819-A-G.
Other names: c.2031-485A>G (NM_004788.4).
Identifiers: ClinVar variation 4759459 (VCV004759459.1).
Genomic context (GRCh38, chr11:118,382,104, plus strand): 5'-AAGTGAAGATTTGCTGCACAATGAAGAGAATGACCCACAATTCCCTGAGCCGTATCAGTG[A>G]TAAGTAGAGAGAAGCCATTTCTTCACTGAGCTGAGCATACCTAATGAGAAGTCATAAGTC-3'

ClinVar aggregate classification (germline): Uncertain significance (1 of 4 stars; one submission).

Conditions:
Neurodevelopmental disorder with hypotonia and gross motor and speech delay. Identifiers: MedGen C5562031, MONDO:0859207, OMIM 619639.

Submission:

Illumina Laboratory Services, Illumina
Classification: Uncertain significance for Neurodevelopmental disorder with hypotonia and gross motor and speech delay. Last evaluated: 2023-12-07. Review status: criteria provided, single submitter. Criteria: ISL SNV Classification Criteria 03 February 2026. Collection method: clinical testing. Allele origin: unknown.
Comment: The UBE4A c.2031-485A>G variant occurs in an intron and is predicted to result in splicing defects that may lead to a truncated protein. To our knowledge, this variant has not been reported in the peer-reviewed literature. The c.2031-485A>G variant is not observed in version 2.1.1 or version 4.0.0 of the Genome Aggregation Database. Based on the available evidence, the c.2031-485A>G variant is classified as a variant of uncertain significance for neurodevelopmental disorder with hypotonia and gross motor and speech delay.